The following is an entry in ClinVar:

NM_213599.3(ANO5):c.2170G>C (p.Ala724Pro)

Gene: ANO5 (anoctamin 5; plus strand). Cytogenetic location: 11p14.3.
Variant type: single nucleotide variant.
Coding change: c.2170G>C on transcript NM_213599.3 (MANE Select); coding-DNA position 2170, G replaced by C.
Protein change: p.Ala724Pro; replaces alanine 724 with proline.
Molecular consequence: missense variant.
Genome position (GRCh38, 1-based): chr11:22,272,924, G>C. VCF-style: chr11-22272924-G-C. GRCh37 (hg19) VCF-style: chr11-22294470-G-C.
Other names: c.2167G>C, p.Ala723Pro (NM_001142649.2); c.2128G>C, p.Ala710Pro (NM_001410963.1); c.2125G>C, p.Ala709Pro (NM_001410964.1); short protein forms A709P, A710P, A723P, A724P.
Identifiers: ClinVar variation 2198088 (VCV002198088.25), dbSNP rs1419086010, ClinGen allele CA379923923.

ClinVar aggregate classification (germline): Uncertain significance. Review status: criteria provided, multiple submitters, no conflicts (2 of 4 stars). 2 submissions from 2 submitters: Uncertain significance (2). Last evaluated 2025-06-05.

Conditions:
Autosomal recessive limb-girdle muscular dystrophy type 2L (LGMDR12). Also called: MUSCULAR DYSTROPHY, LIMB-GIRDLE, AUTOSOMAL RECESSIVE 12; Limb-girdle muscular dystrophy, type 2L; Limb-Girdle Muscular Dystrophy R12 Anoctamin-5-Related (LGMD-R12). Identifiers: Orphanet 206549, MedGen C1969785, MONDO:0012652, OMIM 611307.
Gnathodiaphyseal dysplasia (GDD). Also called: GNATHODIAPHYSEAL SCLEROSIS; OSTEOGENESIS IMPERFECTA WITH UNUSUAL SKELETAL LESIONS. Identifiers: Orphanet 53697, MedGen C1833736, MONDO:0008151, OMIM 166260.

Allele frequency attached by ClinVar (database versions not stated): gnomAD 0.00001.
gnomAD v4.1: 6 of 1,613,924 alleles (0.00037%); highest among the groups gnomAD compares: Non-Finnish European, 0.00051%; no homozygotes.

Submissions (2):

Labcorp Genetics (formerly Invitae), Labcorp
Classification: Uncertain significance for Autosomal recessive limb-girdle muscular dystrophy type 2L; Gnathodiaphyseal dysplasia. Last evaluated: 2025-06-05. Review status: criteria provided, single submitter. Criteria: Invitae Variant Classification Sherloc (09022015). Collection method: clinical testing. Allele origin: germline.
Comment: This sequence change replaces alanine, which is neutral and non-polar, with proline, which is neutral and non-polar, at codon 724 of the ANO5 protein (p.Ala724Pro). This variant is present in population databases (no rsID available, gnomAD 0.002%). This missense change has been observed in individual(s) with clinical features of autosomal recessive ANO5-related conditions (PMID: 30919934). ClinVar contains an entry for this variant (Variation ID: 2198088). Invitae Evidence Modeling of protein sequence and biophysical properties (such as structural, functional, and spatial information, amino acid conservation, physicochemical variation, residue mobility, and thermodynamic stability) indicates that this missense variant is expected to disrupt ANO5 protein function with a positive predictive value of 95%. In summary, the available evidence is currently insufficient to determine the role of this variant in disease. Therefore, it has been classified as a Variant of Uncertain Significance.

CeGaT Center for Human Genetics Tuebingen
Classification: Uncertain significance. Last evaluated: 2024-11-01. Review status: criteria provided, single submitter. Criteria: CeGaT Center For Human Genetics Tuebingen Variant Classification Criteria Version 2. Collection method: clinical testing. Allele origin: germline. Affected: yes. Observed: 1 variant allele.
Comment: ANO5: PM2, PM3:Supporting, PP3

Literature cited by the submitters: PubMed 30919934 (cited by Labcorp Genetics (formerly Invitae), Labcorp).